The following is an entry in ClinVar:

NM_000301.5(PLG):c.1063T>C (p.Ser355Pro)

Gene: PLG (plasminogen; plus strand). Cytogenetic location: 6q26.
Variant type: single nucleotide variant.
Coding change: c.1063T>C on transcript NM_000301.5 (MANE Select); coding-DNA position 1063, T replaced by C.
Protein change: p.Ser355Pro; replaces serine 355 with proline.
Molecular consequence: missense variant.
Genome position (GRCh38, 1-based): chr6:160,718,805, T>C. VCF-style: chr6-160718805-T-C. GRCh37 (hg19) VCF-style: chr6-161139837-T-C.
Other names: short protein forms S355P.
Identifiers: ClinVar variation 2972618 (VCV002972618.3), dbSNP rs767801113, ClinGen allele CA4087656.

ClinVar aggregate classification (germline): Uncertain significance (1 of 4 stars; one submission).

Allele frequency attached by ClinVar (database versions not stated): gnomAD exomes below 0.00001; ExAC 0.00001; TOPMed 0.00001.
gnomAD v4.1: 5 of 1,613,756 alleles (0.00031%); highest among the groups gnomAD compares: Admixed American, 0.0083%; no homozygotes.

Submission:

Labcorp Genetics (formerly Invitae), Labcorp
Classification: Uncertain significance. Last evaluated: 2023-10-13. Review status: criteria provided, single submitter. Criteria: Invitae Variant Classification Sherloc (09022015). Collection method: clinical testing. Allele origin: germline.
Comment: This sequence change replaces serine, which is neutral and polar, with proline, which is neutral and non-polar, at codon 355 of the PLG protein (p.Ser355Pro). This variant is present in population databases (rs767801113, gnomAD 0.009%). This variant has not been reported in the literature in individuals affected with PLG-related conditions. Advanced modeling of protein sequence and biophysical properties (such as structural, functional, and spatial information, amino acid conservation, physicochemical variation, residue mobility, and thermodynamic stability) performed at Invitae indicates that this missense variant is not expected to disrupt PLG protein function. In summary, the available evidence is currently insufficient to determine the role of this variant in disease. Therefore, it has been classified as a Variant of Uncertain Significance.